The following is an entry in ClinVar:

NM_001145809.2(MYH14):c.2968G>A (p.Gly990Ser)

Gene: MYH14 (myosin heavy chain 14; plus strand). Cytogenetic location: 19q13.33.
Variant type: single nucleotide variant.
Coding change: c.2968G>A on transcript NM_001145809.2 (MANE Select); coding-DNA position 2968, G replaced by A.
Protein change: p.Gly990Ser; replaces glycine 990 with serine.
Molecular consequence: missense variant.
Genome position (GRCh38, 1-based): chr19:50,268,302, G>A. VCF-style: chr19-50268302-G-A. GRCh37 (hg19) VCF-style: chr19-50771559-G-A.
Other names: c.2869G>A, p.Gly957Ser (NM_001077186.2); c.2845G>A, p.Gly949Ser (NM_024729.4); short protein forms G957S, G990S, G949S.
Identifiers: ClinVar variation 2121425 (VCV002121425.4), dbSNP rs2514404805, ClinGen allele CA406948875.

ClinVar aggregate classification (germline): Uncertain significance (1 of 4 stars; one submission).

Submission:

Labcorp Genetics (formerly Invitae), Labcorp
Classification: Uncertain significance. Last evaluated: 2025-08-04. Review status: criteria provided, single submitter. Criteria: Invitae Variant Classification Sherloc (09022015). Collection method: clinical testing. Allele origin: germline.
Comment: This sequence change replaces glycine, which is neutral and non-polar, with serine, which is neutral and polar, at codon 949 of the MYH14 protein (p.Gly949Ser). This variant is not present in population databases (gnomAD no frequency). This variant has not been reported in the literature in individuals affected with MYH14-related conditions. ClinVar contains an entry for this variant (Variation ID: 2121425). Invitae Evidence Modeling of protein sequence and biophysical properties (such as structural, functional, and spatial information, amino acid conservation, physicochemical variation, residue mobility, and thermodynamic stability) indicates that this missense variant is not expected to disrupt MYH14 protein function with a negative predictive value of 80%. In summary, the available evidence is currently insufficient to determine the role of this variant in disease. Therefore, it has been classified as a Variant of Uncertain Significance.